The following is an entry in ClinVar:

ClinVar aggregate classification (germline): Uncertain significance (1 of 4 stars; one submission).

Submission:

Ambry Genetics
Classification: Uncertain significance. Last evaluated: 2025-12-06. Review status: criteria provided, single submitter. Criteria: Ambry Variant Classification Scheme 2023. Collection method: clinical testing. Allele origin: germline.
Comment: The p.K44E variant (also known as c.130A>G), located in coding exon 3 of the RPS20 gene, results from an A to G substitution at nucleotide position 130. The lysine at codon 44 is replaced by glutamic acid, an amino acid with similar properties. This amino acid position is conserved. In addition, this alteration is predicted to be deleterious by in silico analysis. Based on the available evidence, the clinical significance of this variant remains unclear.

NM_001023.4(RPS20):c.130A>G (p.Lys44Glu)

Gene: RPS20 (ribosomal protein S20; minus strand). Cytogenetic location: 8q12.1.
Variant type: single nucleotide variant.
Coding change: c.130A>G on transcript NM_001023.4 (MANE Select); coding-DNA position 130, A replaced by G.
Protein change: p.Lys44Glu; replaces lysine 44 with glutamic acid.
Molecular consequence: missense variant.
Genome position (GRCh38, 1-based): chr8:56,073,742, T>C on the plus strand (A>G on the coding strand, the complement: RPS20 is on the minus strand). VCF-style: chr8-56073742-T-C. GRCh37 (hg19) VCF-style: chr8-56986301-T-C.
Other names: c.130A>G, p.Lys44Glu (NM_001146227.3); short protein forms K44E.
Identifiers: ClinVar variation 4579506 (VCV004579506.1).